The following is an entry in ClinVar:

ClinVar aggregate classification (germline): Uncertain significance (1 of 4 stars; one submission).

Conditions:
Inborn genetic diseases. Identifiers: MedGen C0950123, MeSH D030342.

Submission:

Ambry Genetics
Classification: Uncertain significance for Inborn genetic diseases. Last evaluated: 2016-07-29. Review status: criteria provided, single submitter. Criteria: Ambry Variant Classification Scheme 2023. Collection method: clinical testing. Allele origin: germline.
Comment: The p.Y897H variant (also known as c.2689T>C), located in coding exon 14 of the NRXN1 gene, results from a T to C substitution at nucleotide position 2689. The tyrosine at codon 897 is replaced by histidine, an amino acid with similar properties. This variant was not reported in population based cohorts in the following databases: Database of Single Nucleotide Polymorphisms (dbSNP), NHLBI Exome Sequencing Project (ESP), and 1000 Genomes Project. In the ESP, this variant was not observed in 6086 samples (12172 alleles) with coverage at this position. This amino acid position is highly conserved through mammals but not in all available vertebrate species. In addition, the in silico prediction for this alteration is inconclusive. Since supporting evidence is limited at this time, the clinical significance of this variant remains unclear.

NM_001330078.2(NRXN1):c.2569T>C (p.Tyr857His)

Gene: NRXN1 (neurexin 1; minus strand). Cytogenetic location: 2p16.3.
Variant type: single nucleotide variant.
Coding change: c.2569T>C on transcript NM_001330078.2 (MANE Select); coding-DNA position 2569, T replaced by C.
Protein change: p.Tyr857His; replaces tyrosine 857 with histidine.
Molecular consequence: missense variant.
Genome position (GRCh38, 1-based): chr2:50,497,643, A>G on the plus strand (T>C on the coding strand, the complement: NRXN1 is on the minus strand). VCF-style: chr2-50497643-A-G. GRCh37 (hg19) VCF-style: chr2-50724781-A-G.
Other names: c.2689T>C, p.Tyr897His (NM_001135659.3); c.2545T>C, p.Tyr849His (NM_001330077.2, NM_001330082.2); c.2503T>C, p.Tyr835His (NM_001330083.2, NM_001330084.2); c.2542T>C, p.Tyr848His (NM_001330085.2); c.2569T>C, p.Tyr857His (NM_001330086.2, NM_004801.6); c.2458T>C, p.Tyr820His (NM_001330087.2, NM_001330096.2); c.2488T>C, p.Tyr830His (NM_001330088.2); c.2566T>C, p.Tyr856His (NM_001330093.2); and 2 more; short protein forms Y897H, Y840H, Y848H, Y853H, Y856H, Y835H, Y820H, Y830H.
Identifiers: ClinVar variation 588120 (VCV000588120.5), dbSNP rs1558834284, ClinGen allele CA346777357.